The following is an entry in ClinVar:

NM_001368894.2(PAX6):c.724+20T>C

Gene: PAX6 (paired box 6; minus strand). Cytogenetic location: 11p13.
Variant type: single nucleotide variant.
Coding change: c.724+20T>C on transcript NM_001368894.2 (MANE Select); 20 bases into the intron after coding-DNA position 724, T replaced by C.
Molecular consequence: intron variant.
Genome position (GRCh38, 1-based): chr11:31,794,610, A>G on the plus strand (T>C on the coding strand, the complement: PAX6 is on the minus strand). VCF-style: chr11-31794610-A-G. GRCh37 (hg19) VCF-style: chr11-31816158-A-G.
Other names: c.682+20T>C (NM_001127612.3, NM_001368890.2, NM_001368888.2 and 10 more transcripts); c.523+20T>C (NM_001368921.2, NM_001368923.2, NM_001368926.2 and 4 more transcripts); c.724+20T>C (NM_001258462.3, NM_001310158.2, NM_001258463.2 and 6 more transcripts); c.799+20T>C (NM_001368919.2, NM_001368918.2); c.925+20T>C (NM_001368910.2); c.274+20T>C (NM_001368909.2, NM_001368904.2, NM_001368905.2 and 11 more transcripts); c.727+20T>C (NM_001368911.2); c.481+20T>C (NM_001368928.2); and 2 more.
Identifiers: ClinVar variation 2934868 (VCV002934868.3), dbSNP rs571505590, ClinGen allele CA5933824.

ClinVar aggregate classification (germline): Uncertain significance (1 of 4 stars; one submission).

Conditions:
Aniridia 1 (AN1). Identifiers: Orphanet 250923, MedGen C0344542, MONDO:0024507, OMIM 106210.
Irido-corneo-trabecular dysgenesis (ASGD5). Also called: ANTERIOR SEGMENT DYSGENESIS 5. Identifiers: Orphanet 708, MedGen C0344559, MONDO:0011414, OMIM 604229, HP:0000659.

Allele frequency attached by ClinVar (database versions not stated): TOPMed below 0.00001; gnomAD exomes 0.00001; gnomAD 0.00002; 1000 Genomes Project 30x 0.00016; 1000 Genomes Project 0.00020.
gnomAD v4.1: 17 of 1,613,866 alleles (0.0011%); highest among the groups gnomAD compares: South Asian, 0.013%; no homozygotes.

Submission:

Labcorp Genetics (formerly Invitae), Labcorp
Classification: Uncertain significance for Aniridia 1; Irido-corneo-trabecular dysgenesis. Last evaluated: 2023-07-12. Review status: criteria provided, single submitter. Criteria: Invitae Variant Classification Sherloc (09022015). Collection method: clinical testing. Allele origin: germline.
Comment: This sequence change falls in intron 8 of the PAX6 gene. It does not directly change the encoded amino acid sequence of the PAX6 protein. In summary, the available evidence is currently insufficient to determine the role of this variant in disease. Therefore, it has been classified as a Variant of Uncertain Significance. Algorithms developed to predict the effect of sequence changes on RNA splicing suggest that this variant may create or strengthen a splice site. This variant has not been reported in the literature in individuals affected with PAX6-related conditions. This variant is present in population databases (rs571505590, gnomAD 0.006%).